The following is an entry in ClinVar:

NM_006015.6(ARID1A):c.2T>G (p.Met1Arg)

Gene: ARID1A (AT-rich interaction domain 1A; plus strand). Cytogenetic location: 1p36.11.
Variant type: single nucleotide variant.
Coding change: c.2T>G on transcript NM_006015.6 (MANE Select); coding-DNA position 2, T replaced by G.
Protein change: p.Met1Arg; changes the start codon (methionine 1).
Molecular consequence: missense variant, initiator codon variant.
Genome position (GRCh38, 1-based): chr1:26,696,405, T>G. VCF-style: chr1-26696405-T-G. GRCh37 (hg19) VCF-style: chr1-27022896-T-G.
Other names: c.2T>G, p.Met1Arg (NM_139135.4); short protein forms M1R.
Identifiers: ClinVar variation 2025460 (VCV002025460.5), dbSNP rs2124739661, ClinGen allele CA339264178.

ClinVar aggregate classification (germline): Uncertain significance (1 of 4 stars; one submission).

Submission:

Labcorp Genetics (formerly Invitae), Labcorp
Classification: Uncertain significance. Last evaluated: 2022-09-16. Review status: criteria provided, single submitter. Criteria: Invitae Variant Classification Sherloc (09022015). Collection method: clinical testing. Allele origin: germline.
Comment: In summary, the available evidence is currently insufficient to determine the role of this variant in disease. Therefore, it has been classified as a Variant of Uncertain Significance. Experimental studies and prediction algorithms are not available or were not evaluated, and the functional significance of this variant is currently unknown. This variant has not been reported in the literature in individuals affected with ARID1A-related conditions. The frequency data for this variant in the population databases is considered unreliable, as metrics indicate insufficient coverage at this position in the gnomAD database. This sequence change affects the initiator methionine of the ARID1A mRNA. The next in-frame methionine is located at codon 50.